The following continues an entry in ClinVar:

NM_000363.5(TNNI3):c.422G>A (p.Arg141Gln)

Gene: TNNI3. ClinVar aggregate classification (germline): Pathogenic/Likely pathogenic. Pathogenic (13); Likely pathogenic (9).

Submissions 10 to 25 of 25:

3billion
Classification: Pathogenic for Hypertrophic cardiomyopathy 7. Last evaluated: 2024-07-06. Review status: criteria provided, single submitter. Criteria: ACMG Guidelines, 2015. Collection method: clinical testing. Allele origin: germline. Affected: yes.
Comment: The variant is observed in the gnomAD v4.0.0 dataset (total allele frequency: <0.001%). Predicted Consequence/Location: Missense variant In silico tool predictions suggest damaging effect of the variant on gene or gene product [REVEL: 0.58 (>=0.6, sensitivity 0.68 and specificity 0.92); 3Cnet: 0.97 (>=0.6, sensitivity 0.72 and precision 0.9)]. The same nucleotide change resulting in the same amino acid change has been previously reported as pathogenic/likely pathogenic with strong evidence (ClinVar ID: VCV000043381 /PMID: 12707239 /3billion dataset). The variant has been observed in multiple (>3) similarly affected unrelated individuals (PMID: 12707239, 12860912, 18403758, 19645627, 26440512, 27532257). A different missense change at the same codon (p.Arg141Trp) has been reported as pathogenic/likely pathogenic with strong evidence (ClinVar ID: VCV000181580 /3billion dataset). Therefore, this variant is classified as Pathogenic according to the recommendation of ACMG/AMP guideline.

Ambry Genetics
Classification: Pathogenic for Cardiovascular phenotype. Last evaluated: 2024-07-01. Review status: criteria provided, single submitter. Criteria: Ambry Variant Classification Scheme 2023. Collection method: clinical testing. Allele origin: germline.
Comment: The c.422G>A (p.R141Q) alteration is located in exon 7 (coding exon 7) of the TNNI3 gene. This alteration results from a G to A substitution at nucleotide position 422, causing the arginine (R) at amino acid position 141 to be replaced by a glutamine (Q). for autosomal dominant TNNI3-related cardiomyopathy; however, its clinical significance for autosomal recessive TNNI3-related dilated cardiomyopathy is uncertain. This allele was reported in one heterozygous individual in population-based cohorts in the Genome Aggregation Database (gnomAD). This variant was reported in multiple individuals with features consistent with TNNI3-related cardiomyopathy (Richard, 2003; Van Driest, 2003; van den Wijngaard, 2011; Landry, 2017). This variant was detected in the homozygous state in an individual with severe biventricular hypertrophy (Mogensen, 2004), and has co-occurred with other variants in cardiac-related genes in affected individuals, including an individual from a childhood-onset HCM cohort (Morita, 2008; Santos, 2012). This variant has been reported as de novo and shown segregation with disease (Curila, 2009); however, it has also been detected in unaffected relatives (Mogensen, 2004). This amino acid position is well conserved in available vertebrate species. Based on internal structural assessment, this alteration disrupts a well-established phosphorylation motif necessary for myofilament Ca2+ sensitivity and ATPase activity (Pi, 2003; Wang, 2012). The in silico prediction for this alteration is inconclusive. Based on the available evidence, this alteration is classified as pathogenic.

Color Diagnostics, LLC DBA Color Health
Classification: Likely pathogenic for Cardiomyopathy. Last evaluated: 2024-05-06. Review status: criteria provided, single submitter. Criteria: ACMG Guidelines, 2015. Collection method: clinical testing. Allele origin: germline.
Comment: This missense variant replaces arginine with glutamine at codon 141 in the inhibitory, actin binding region of the TNNI3 protein. Computational prediction tools indicate that this variant's impact on protein structure and function is inconclusive. To our knowledge, functional studies have not been reported for this variant. This variant has been reported in more than 20 unrelated individuals affected with hypertrophic cardiomyopathy (PMID: 12707239, 15607392, 18403758, 19645627, 22429680, 22876777, 23283745, 25524337, 27532257, 29141175, 30105547, 33495596, 33495597, 33673806, 38002985, 38489124), including in one homozygous individual who showed a severe phenotype (PMID: 15607392). In one family, this variant was reported as a de novo occurrence (PMID: 19645627). This variant has been identified in 1/31370 chromosomes in the general population by the Genome Aggregation Database (gnomAD). Based on the available evidence, this variant is classified as Likely Pathogenic.

Blueprint Genetics
Classification: Pathogenic for TNNI3-related disorders. Last evaluated: 2024-02-09. Review status: criteria provided, single submitter. Criteria: ACMG Guidelines, 2015. Collection method: clinical testing. Allele origin: germline. Affected: yes. Observed: 5 variant alleles.

Human Genome Sequencing Center Clinical Lab, Baylor College of Medicine
Classification: Likely pathogenic for hypertrophic cardiomyopathy. Last evaluated: 2022-07-07. Review status: criteria provided, single submitter. Criteria: ACMG Guidelines, 2015. Collection method: clinical testing. Allele origin: unknown.

GeneDx
Classification: Pathogenic. Last evaluated: 2021-11-15. Review status: criteria provided, single submitter. Criteria: GeneDx Variant Classification Process June 2021. Collection method: clinical testing. Allele origin: germline. Affected: yes.
Comment: Not observed at significant frequency in large population cohorts (gnomAD); In silico analysis supports that this missense variant has a deleterious effect on protein structure/function; This variant is associated with the following publications: (PMID: 15524171, 18227814, 21533915, 24510615, 25351510, 22429680, 12707239, 12860912, 18403758, 19645627, 22876777, 22455086, 23283745, 25524337, 23967088, 27532257, 15607392, 31727422, 31737537, 31447099, 33087929, 34428338, 33673806, 26582918)

Fulgent Genetics
Classification: Pathogenic for Cardiomyopathy, familial restrictive, 1; Dilated cardiomyopathy 2A; Dilated cardiomyopathy 1FF; Hypertrophic cardiomyopathy 7. Last evaluated: 2021-07-28. Review status: criteria provided, single submitter. Criteria: ACMG Guidelines, 2015. Collection method: clinical testing. Allele origin: unknown.

CHEO Genetics Diagnostic Laboratory, Children's Hospital of Eastern Ontario
Classification: Likely pathogenic for Cardiomyopathy. Last evaluated: 2020-03-20. Review status: criteria provided, single submitter. Criteria: ACMG Guidelines, 2015. Collection method: clinical testing. Allele origin: germline.

Laboratory for Molecular Medicine, Mass General Brigham Personalized Medicine
Classification: Pathogenic for Hypertrophic cardiomyopathy. Last evaluated: 2019-07-26. Review status: criteria provided, single submitter. Criteria: LMM Criteria. Collection method: clinical testing. Allele origin: germline. Inheritance: Autosomal dominant inheritance. Observed: 11 variant alleles.
Comment: The p.Arg141Gln variant in TNNI3 has been reported in >25 individuals with hypertrophic cardiomyopathy (HCM) and segregated with disease in 3 affected relatives from 3 families (Richard 2003, Van Driest 2003, Mogensen 2004, Morita 2008, Curila 2009, van den Wijngaard 2011, Rani 2012, Santos 2012, Kapplinger 2014, Walsh 2017, Invitae pers. comm., LMM data). It was also identified in the homozygous state in an individual with a severe HCM presentation (Mogensen 2004) and in 2 individuals with early-onset HCM who had an additional variant in an HCM-associated gene (MYBPC3, TNNT2) that was likely contributing to disease (Morita 2008, LMM data, Santos 2012). Additionally, this variant has been reported by other clinical laboratories in ClinVar (Variation ID 43381) and has also been identified in 1/8710 of African chromosomes by gnomAD. In summary, this variant meets criteria to be classified as pathogenic for autosomal dominant HCM. ACMG/AMP Criteria applied: PS4_Very Strong, PP1, PM2.

Stanford Center for Inherited Cardiovascular Disease, Stanford University
Classification: Likely pathogenic. Last evaluated: 2014-12-12. Review status: criteria provided, single submitter. Criteria: ACMG Guidelines, 2015. Collection method: provider interpretation. Allele origin: germline.

Center for Genomics, Ann and Robert H. Lurie Children's Hospital of Chicago
Classification: Likely pathogenic for Dilated cardiomyopathy 2A; Hypertrophic cardiomyopathy 7; Cardiomyopathy, familial restrictive, 1; Dilated cardiomyopathy 1FF. Review status: criteria provided, single submitter. Criteria: ACMG Guidelines, 2015. Collection method: clinical testing. Allele origin: germline.
Comment: TNNI3 NM_000363.4 exon 7 p.Arg141Gln (c.422G>A): This variant has been reported in the literature in several individuals with HCM, including once in the homozygous state (Richard 2003 PMID:12707239, Van Driest 2003 PMID:12860912, Morgensen 2004 PMID:15607392, Santos 2012 PMID:22429680, Rani 2012 PMID:22876777, Ramachandran 2013 PMID:23967088, Walsh 2017 PMID:27532257). This variant also segregated with disease in one family (Curila 2009 PMID:19645627). This variant is present in 0.003% (1/31370) of total alleles in the Genome Aggregation Database. Please note, disease causing variants may be present in control databases at low frequencies, reflective of the general population, and/or variable expressivity. This variant is also present in ClinVar, with several labs classifying this variant as pathogenic or likely pathogenic (Variation ID:43381). Evolutionary conservation and computational predictive tools for this variant are unclear. In summary, data on this variant is highly suspicious for disease, but requires further evidence for pathogenicity. Therefore, this variant is classified as likely pathogenic.

Clinical Genetics Service, Universitary Hospital 12 de Octubre
Classification: Pathogenic for Hypertrophic cardiomyopathy 7. Review status: criteria provided, single submitter. Criteria: ACMG Guidelines, 2015. Collection method: clinical testing. Allele origin: germline. Affected: yes.

Juno Genomics, Hangzhou Juno Genomics, Inc
Classification: Likely pathogenic for Dilated cardiomyopathy 2A; Dilated cardiomyopathy 1FF; Cardiomyopathy, familial restrictive, 1; Hypertrophic cardiomyopathy 7. Review status: criteria provided, single submitter. Criteria: ACMG Guidelines, 2015. Collection method: clinical testing. Allele origin: germline. Affected: yes.
Comment: Absent from controls (or at extremely low frequency if recessive) in Genome Aggregation Database.;The prevalence of the variant in affected individuals is significantly increased compared to the prevalence in controls.;De novo (both maternity and paternity confirmed) in a patient with the disease and no family history.

Genome Diagnostics Laboratory, University Medical Center Utrecht
Classification: Likely pathogenic. Review status: no assertion criteria provided. Collection method: clinical testing. Allele origin: germline. Affected: yes. Study: VKGL Data-share Consensus. Not counted in ClinVar's aggregate classification.

Institute of Human Genetics, University of Wuerzburg
Classification: Likely pathogenic for Cardiomyopathy. Review status: no assertion criteria provided. Collection method: clinical testing. Allele origin: unknown. Affected: yes. Observed: 1 variant allele. Not counted in ClinVar's aggregate classification.

Joint Genome Diagnostic Labs from Nijmegen and Maastricht, Radboudumc and MUMC+
Classification: Pathogenic. Review status: no assertion criteria provided. Collection method: clinical testing. Allele origin: germline. Affected: yes. Study: VKGL Data-share Consensus. Not counted in ClinVar's aggregate classification.

Literature cited by the submitters: PubMed 12707239 (cited by 7 submitters); PubMed 27532257 (cited by 4 submitters); PubMed 15607392 (cited by 5 submitters); PubMed 18403758 (cited by 6 submitters); PubMed 19645627 (cited by 6 submitters); PubMed 22429680 (cited by 5 submitters); PubMed 22876777 (cited by 4 submitters); PubMed 23283745 (cited by 4 submitters); PubMed 25524337 (cited by 4 submitters); PubMed 26440512 (cited by 3billion); PubMed 12860912 (cited by 3 submitters); PubMed 12923217 (cited by Ambry Genetics); PubMed 21533915 (cited by Ambry Genetics and Laboratory for Molecular Medicine, Mass General Brigham Personalized Medicine); PubMed 22579248 (cited by Ambry Genetics); PubMed 29141175 (cited by Ambry Genetics and Color Diagnostics, LLC DBA Color Health); PubMed 30105547 (cited by Color Diagnostics, LLC DBA Color Health); PubMed 33495596 (cited by Color Diagnostics, LLC DBA Color Health); PubMed 33495597 (cited by Color Diagnostics, LLC DBA Color Health); PubMed 33673806 (cited by Color Diagnostics, LLC DBA Color Health); PubMed 38002985 (cited by Color Diagnostics, LLC DBA Color Health); PubMed 38489124 (cited by Color Diagnostics, LLC DBA Color Health); PubMed 24510615 (cited by Laboratory for Molecular Medicine, Mass General Brigham Personalized Medicine); PubMed 23967088 (cited by Laboratory for Molecular Medicine, Mass General Brigham Personalized Medicine); PubMed 21310275 (cited by Laboratory for Molecular Medicine, Mass General Brigham Personalized Medicine).